The following is an entry in ClinVar:

NM_021044.4(DHH):c.1011del (p.Asn337fs)

Gene: DHH (desert hedgehog signaling molecule; minus strand). Cytogenetic location: 12q13.12.
Variant type: Deletion.
Coding change: c.1011del on transcript NM_021044.4 (MANE Select); coding-DNA position 1011, one base deleted (C; older notation c.1011delC).
Protein change: p.Asn337fs; shifts the reading frame from asparagine 337.
Molecular consequence: frameshift variant.
Genome position (GRCh38, 1-based): chr12:49,090,039, G deleted on the plus strand (C on the coding strand, the reverse complement: DHH is on the minus strand). VCF-style (leftmost placement, unchanged base first): chr12-49090038-CG-C. GRCh37 (hg19) VCF-style: chr12-49483821-CG-C.
Other names: c.1011delC (NM_021044.4); short protein forms N337fs.
Identifiers: ClinVar variation 561188 (VCV000561188.2), dbSNP rs1565572949, ClinGen allele CA891843488.
Genomic context (GRCh38, chr12:49,090,038, plus strand): 5'-CAAAAGCGCGGTGCGCCCACTGGTGACTCTCCAGAACCGCGTAGCAAGAGGCCAGGACAT[CG>C]TTCACCAGCAGCGTCCCGTGCGCGGTGAGCGGCGCGAACACGCCCACGGCTTCCTCCCGC-3'

ClinVar aggregate classification (germline): Pathogenic (1 of 4 stars; one submission).

Conditions:
46,XY sex reversal 7. Also called: GONADAL DYSGENESIS, XY, MALE-LIMITED; DHH-Related 46,XY complete gonadal dysgenesis; 46,XY GONADAL DYSGENESIS, PARTIAL OR COMPLETE, DHH-RELATED; 46,XY SEX REVERSAL, PARTIAL OR COMPLETE, DHH-RELATED. Identifiers: Orphanet 242, MedGen C1856273, MONDO:0009301, OMIM 233420.

Submission:

Human Genetics Laboratory, Faculty of Medicine of Tunis
Classification: Pathogenic for 46,XY sex reversal 7. Review status: criteria provided, single submitter. Criteria: ACMG Guidelines, 2015. Collection method: research, in vitro. Allele origin: unknown, not applicable. Inheritance: Autosomal recessive inheritance. Affected: yes. Observed: 1 compound heterozygote.
Comment: Thus, this variation generates a truncated protein lacking the last 60 amino acids of the C-terminal region containing the determinants required for auto-processing of the precursor as well as all the essential residues fundamental for addition of a cholesterol moiety to the signaling peptide DHh-N. The second mutation is a nonsense mutation which lies in the auto-catalytically processed and secreted DHh-N and gives rise to a premature stop codon leading to a truncated protein missing a part of DHh-N as well as the entire DHh-C required for auto-processing and addition of cholesterol moiety to the signaling peptide DHh-N. The novel variation p.(Asn337Lysfs*24) is not listed in gnomAD browser database or the Human Gene Mutations Database (HGMD) or 1000 genomes project which likely reflects a novel mutation. The pathogenicity prediction algorithm, Mutation Taster, considered the frameshift p.(Asn337Lysfs*24) mutation as disease causing. In addition, our in vitro functional assays show that this variant completely abolished auto-proteolysis of the mutant protein. In summary, the Asn337Lysfs*24 variant meets our criteria to be classified as autosomal recessive pathogenic.

Literature cited by the submitters: PubMed 30298535.